The following is an entry in ClinVar:

NM_173598.6(KSR2):c.692C>T (p.Ala231Val)

Gene: KSR2 (kinase suppressor of ras 2; minus strand). Cytogenetic location: 12q24.23.
Variant type: single nucleotide variant.
Coding change: c.692C>T on transcript NM_173598.6 (MANE Select); coding-DNA position 692, C replaced by T.
Protein change: p.Ala231Val; replaces alanine 231 with valine.
Molecular consequence: missense variant.
Genome position (GRCh38, 1-based): chr12:117,761,305, G>A on the plus strand (C>T on the coding strand, the complement: KSR2 is on the minus strand). VCF-style: chr12-117761305-G-A. GRCh37 (hg19) VCF-style: chr12-118199110-G-A.
Other names: short protein forms A231V.
Identifiers: ClinVar variation 4982509 (VCV004982509.1).

ClinVar aggregate classification (germline): Uncertain significance (1 of 4 stars; one submission).

Conditions:
KSR2-related disorder. Also called: KSR2-related condition.

gnomAD v4.1: 1 of 1,525,260 alleles (0.000066%); highest among the groups gnomAD compares: African/African-American, 0.0014%; no homozygotes.

Submission:

PreventionGenetics, part of Exact Sciences
Classification: Uncertain significance for KSR2-related condition. Last evaluated: 2026-04-06. Review status: criteria provided, single submitter. Criteria: ACMG Guidelines, 2015. Collection method: clinical testing. Allele origin: germline.
Comment: The KSR2 c.605C>T variant is predicted to result in the amino acid substitution p.Ala202Val. To our knowledge, this variant has not been reported in the literature or in a large population database (gnomAD), indicating this variant is rare. At this time, the clinical significance of this variant is uncertain due to the absence of conclusive functional and genetic evidence.